The following is an entry in ClinVar:

ClinVar aggregate classification (germline): Uncertain significance (1 of 4 stars; one submission).

Submission:

Labcorp Genetics (formerly Invitae), Labcorp
Classification: Uncertain significance. Last evaluated: 2025-08-18. Review status: criteria provided, single submitter. Criteria: Invitae Variant Classification Sherloc (09022015). Collection method: clinical testing. Allele origin: germline.
Comment: This sequence change replaces valine, which is neutral and non-polar, with isoleucine, which is neutral and non-polar, at codon 380 of the RARS2 protein (p.Val380Ile). This variant is not present in population databases (gnomAD no frequency). This variant has not been reported in the literature in individuals affected with RARS2-related conditions. ClinVar contains an entry for this variant (Variation ID: 2982480). Invitae Evidence Modeling of protein sequence and biophysical properties (such as structural, functional, and spatial information, amino acid conservation, physicochemical variation, residue mobility, and thermodynamic stability) indicates that this missense variant is not expected to disrupt RARS2 protein function with a negative predictive value of 95%. In summary, the available evidence is currently insufficient to determine the role of this variant in disease. Therefore, it has been classified as a Variant of Uncertain Significance.

NM_020320.5(RARS2):c.1138G>A (p.Val380Ile)

Gene: RARS2 (arginyl-tRNA synthetase 2, mitochondrial; minus strand). Cytogenetic location: 6q15.
Variant type: single nucleotide variant.
Coding change: c.1138G>A on transcript NM_020320.5 (MANE Select); coding-DNA position 1138, G replaced by A.
Protein change: p.Val380Ile; replaces valine 380 with isoleucine.
Molecular consequence: missense variant. On other transcripts: non-coding transcript variant (23).
Genome position (GRCh38, 1-based): chr6:87,519,682, C>T on the plus strand (G>A on the coding strand, the complement: RARS2 is on the minus strand). VCF-style: chr6-87519682-C-T. GRCh37 (hg19) VCF-style: chr6-88229400-C-T.
Other names: c.613G>A, p.Val205Ile (NM_001318785.2, NM_001350506.2, NM_001350507.2 and 4 more transcripts); c.1138G>A, p.Val380Ile (NM_001350505.2); short protein forms V205I, V380I.
Identifiers: ClinVar variation 2982480 (VCV002982480.3), dbSNP rs963223871, ClinGen allele CA142841201.